The following is an entry in ClinVar:

ClinVar aggregate classification (germline): Likely benign. Review status: criteria provided, multiple submitters, no conflicts (2 of 4 stars). 3 submissions from 3 submitters: Likely benign (3). Last evaluated 2025-10-22.

Conditions:
Hereditary cancer-predisposing syndrome. Also called: Hereditary Cancer Syndrome; Neoplastic Syndromes, Hereditary; Hereditary neoplastic syndrome; Tumor predisposition. Identifiers: Orphanet 140162, MedGen C0027672, MeSH D009386, MONDO:0015356.
Hereditary breast ovarian cancer syndrome. Also called: Hereditary breast and ovarian cancer syndrome (HBOC); Hereditary breast and ovarian cancer syndrome; Breast and ovarian cancer; Hereditary breast and/or ovarian cancer syndrome; BRCA1- and BRCA2-Associated Hereditary Breast and Ovarian Cancer; Hereditary breast and ovarian cancer. Identifiers: Orphanet 145, MedGen C0677776, MeSH D061325, MONDO:0003582. Disease mechanism: loss of function.
Breast-ovarian cancer, familial, susceptibility to, 2 (BROVCA2). Also called: BRCA2 Hereditary Breast and Ovarian Cancer. Identifiers: Orphanet 145, MedGen C2675520, MONDO:0012933, OMIM 612555. Disease mechanism: loss of function.

Allele frequency attached by ClinVar (database versions not stated): TOPMed 0.00001.

Submissions (3):

Labcorp Genetics (formerly Invitae), Labcorp
Classification: Likely benign for Hereditary breast ovarian cancer syndrome. Last evaluated: 2025-10-22. Review status: criteria provided, single submitter. Criteria: Invitae Variant Classification Sherloc (09022015). Collection method: clinical testing. Allele origin: germline.

All of Us Research Program, National Institutes of Health
Classification: Likely benign for Breast-ovarian cancer, familial, susceptibility to, 2. Last evaluated: 2023-11-20. Review status: criteria provided, single submitter. Criteria: ACMG Guidelines, 2015. Collection method: clinical testing. Allele origin: germline. Inheritance: Autosomal dominant inheritance. Observed: 1 variant allele, 1 heterozygote.
Comment: This study involves interpretation of variants in research participants for the purpose of population health screening. Participant phenotype was not available at the time of variant classification. Additional details can be found in publication PMID: 35346344, PMCID: PMC8962531

Ambry Genetics
Classification: Likely benign for Hereditary cancer-predisposing syndrome. Last evaluated: 2019-11-11. Review status: criteria provided, single submitter. Criteria: Ambry Variant Classification Scheme 2023. Collection method: clinical testing. Allele origin: germline.

NM_000059.4(BRCA2):c.2200T>C (p.Leu734=)

Gene: BRCA2 (BRCA2 DNA repair associated; plus strand). Cytogenetic location: 13q13.1.
Variant type: single nucleotide variant.
Coding change: c.2200T>C on transcript NM_000059.4 (MANE Select); coding-DNA position 2200, T replaced by C.
Protein change: p.Leu734=; no amino-acid change (leucine 734 retained).
Molecular consequence: synonymous variant.
Genome position (GRCh38, 1-based): chr13:32,336,555, T>C. VCF-style: chr13-32336555-T-C. GRCh37 (hg19) VCF-style: chr13-32910692-T-C.
Identifiers: ClinVar variation 820877 (VCV000820877.17), dbSNP rs1593896324, ClinGen allele CA483436838.
Genomic context (GRCh38, chr13:32,336,555, plus strand): 5'-GAAGGACAGTGTGAAAATGATCCAAAAAGCAAAAAAGTTTCAGATATAAAAGAAGAGGTC[T>C]TGGCTGCAGCATGTCACCCAGTACAACATTCAAAAGTGGAATACAGTGATACTGACTTTC-3'
Protein context (NP_000050.3, residues 724-744): KKVSDIKEEV[Leu734=]AAACHPVQHS